The following is an entry in ClinVar:

NM_201384.3(PLEC):c.3599G>A (p.Arg1200His)

Gene: PLEC (plectin; minus strand). Cytogenetic location: 8q24.3.
Variant type: single nucleotide variant.
Coding change: c.3599G>A on transcript NM_201384.3 (MANE Select); coding-DNA position 3599, G replaced by A.
Protein change: p.Arg1200His; replaces arginine 1200 with histidine.
Molecular consequence: missense variant.
Genome position (GRCh38, 1-based): chr8:143,927,567, C>T on the plus strand (G>A on the coding strand, the complement: PLEC is on the minus strand). VCF-style: chr8-143927567-C-T. GRCh37 (hg19) VCF-style: chr8-145001735-C-T.
Other names: c.3680G>A, p.Arg1227His (NM_000445.5, NM_001410941.1); c.3557G>A, p.Arg1186His (NM_201378.4); c.3533G>A, p.Arg1178His (NM_201379.3); c.4010G>A, p.Arg1337His (NM_201380.4); c.3503G>A, p.Arg1168His (NM_201381.3); c.3599G>A, p.Arg1200His (NM_201382.4); c.3611G>A, p.Arg1204His (NM_201383.3); short protein forms R1337H, R1227H, R1168H, R1178H, R1204H, R1186H, R1200H.
Identifiers: ClinVar variation 2201351 (VCV002201351.4), dbSNP rs533718480, ClinGen allele CA4927010.

ClinVar aggregate classification (germline): Uncertain significance (1 of 4 stars; one submission).

Conditions:
Epidermolysis bullosa simplex 5B, with muscular dystrophy (EBS5B). Also called: EPIDERMOLYSIS BULLOSA SIMPLEX AND LIMB-GIRDLE MUSCULAR DYSTROPHY; Epidermolysis bullosa simplex with muscular dystrophy. Identifiers: Orphanet 257, MedGen C2931072, MONDO:0009181, OMIM 226670.
Epidermolysis bullosa simplex 5C, with pyloric atresia (EBS5C). Also called: PLEC-Related Epidermolysis Bullosa with Pyloric Atresia; Epidermolysis bullosa simplex with pyloric atresia; PLEC1-Related Epidermolysis Bullosa with Pyloric Atresia. Identifiers: Orphanet 158684, MedGen C2677349, MONDO:0012807, OMIM 612138.
Autosomal recessive limb-girdle muscular dystrophy type 2Q (LGMDR17). Also called: MUSCULAR DYSTROPHY, LIMB-GIRDLE, AUTOSOMAL RECESSIVE 17. Identifiers: Orphanet 254361, MedGen C3150989, MONDO:0013390, OMIM 613723.
Epidermolysis bullosa simplex with nail dystrophy (EBS5D). Identifiers: MedGen C4225309, MONDO:0014661, OMIM 616487.
Epidermolysis bullosa simplex, Ogna type (EBS5A). Also called: Pidermolysis bullosa simplex 5A, Ogna type; EPIDERMOLYSIS BULLOSA SIMPLEX 5A, OGNA TYPE. Identifiers: Orphanet 79401, MedGen C0432317, MONDO:0007555, OMIM 131950.

Allele frequency attached by ClinVar (database versions not stated): TOPMed 0.00001; ExAC 0.00003.
gnomAD v4.1: 21 of 1,591,556 alleles (0.0013%); highest among the groups gnomAD compares: East Asian, 0.0045%; no homozygotes.

Submission:

Labcorp Genetics (formerly Invitae), Labcorp
Classification: Uncertain significance for Autosomal recessive limb-girdle muscular dystrophy type 2Q; Epidermolysis bullosa simplex, Ogna type; Epidermolysis bullosa simplex with nail dystrophy; Epidermolysis bullosa simplex 5C, with pyloric atresia; Epidermolysis bullosa simplex 5B, with muscular dystrophy. Last evaluated: 2025-06-22. Review status: criteria provided, single submitter. Criteria: Invitae Variant Classification Sherloc (09022015). Collection method: clinical testing. Allele origin: germline.
Comment: This sequence change replaces arginine, which is basic and polar, with histidine, which is basic and polar, at codon 1227 of the PLEC protein (p.Arg1227His). This variant is present in population databases (rs533718480, gnomAD 0.006%). This variant has not been reported in the literature in individuals affected with PLEC-related conditions. ClinVar contains an entry for this variant (Variation ID: 2201351). Invitae Evidence Modeling of protein sequence and biophysical properties (such as structural, functional, and spatial information, amino acid conservation, physicochemical variation, residue mobility, and thermodynamic stability) indicates that this missense variant is not expected to disrupt PLEC protein function with a negative predictive value of 80%. In summary, the available evidence is currently insufficient to determine the role of this variant in disease. Therefore, it has been classified as a Variant of Uncertain Significance.